The following is an entry in ClinVar:

ClinVar aggregate classification (germline): Uncertain significance. Review status: criteria provided, multiple submitters, no conflicts (2 of 4 stars). 2 submissions from 2 submitters: Uncertain significance (2). Last evaluated 2026-07-28.

Conditions:
Hereditary cancer-predisposing syndrome. Also called: Neoplastic Syndromes, Hereditary; Hereditary Cancer Syndrome; Hereditary neoplastic syndrome; Tumor predisposition. Identifiers: Orphanet 140162, MedGen C0027672, MeSH D009386, MONDO:0015356.
Cardiovascular phenotype. Identifiers: MedGen CN230736.
Neurofibromatosis, type 1 (NF1). Also called: VON RECKLINGHAUSEN DISEASE; Neurofibromatosis, type I; Peripheral type neurofibromatosis; NEUROFIBROMATOSIS, TYPE I, SOMATIC. Identifiers: Orphanet 636, MedGen C0027831, MONDO:0018975, OMIM 162200. Disease mechanism: loss of function.

Allele frequency attached by ClinVar (database versions not stated): gnomAD exomes below 0.00001.
gnomAD v4.1: 1 of 1,613,348 alleles (0.000062%); highest among the groups gnomAD compares: Non-Finnish European, 0.000085%; no homozygotes.

Submissions (2):

Ambry Genetics
Classification: Uncertain significance for Cardiovascular phenotype; Hereditary cancer-predisposing syndrome. Last evaluated: 2026-07-28. Review status: criteria provided, single submitter. Criteria: Ambry Variant Classification Scheme 2023. Collection method: clinical testing. Allele origin: germline.
Comment: The p.V2399I variant (also known as c.7195G>A), located in coding exon 48 of the NF1 gene, results from a G to A substitution at nucleotide position 7195. The valine at codon 2399 is replaced by isoleucine, an amino acid with highly similar properties. This amino acid position is conserved. In addition, this alteration is predicted to be tolerated by in silico analysis. Based on the available evidence, the clinical significance of this variant remains unclear.

Labcorp Genetics (formerly Invitae), Labcorp
Classification: Uncertain significance for Neurofibromatosis, type 1. Last evaluated: 2025-12-09. Review status: criteria provided, single submitter. Criteria: Invitae Variant Classification Sherloc (09022015). Collection method: clinical testing. Allele origin: germline.
Comment: This sequence change replaces valine, which is neutral and non-polar, with isoleucine, which is neutral and non-polar, at codon 2399 of the NF1 protein (p.Val2399Ile). This variant is not present in population databases (gnomAD no frequency). This variant has not been reported in the literature in individuals affected with NF1-related conditions. ClinVar contains an entry for this variant (Variation ID: 642416). Invitae Evidence Modeling of protein sequence and biophysical properties (such as structural, functional, and spatial information, amino acid conservation, physicochemical variation, residue mobility, and thermodynamic stability) indicates that this missense variant is not expected to disrupt NF1 protein function with a negative predictive value of 95%. In summary, the available evidence is currently insufficient to determine the role of this variant in disease. Therefore, it has been classified as a Variant of Uncertain Significance.

NM_001042492.3(NF1):c.7258G>A (p.Val2420Ile)

Gene: NF1 (neurofibromin 1; plus strand). Cytogenetic location: 17q11.2.
Variant type: single nucleotide variant.
Coding change: c.7258G>A on transcript NM_001042492.3 (MANE Select); coding-DNA position 7258, G replaced by A.
Protein change: p.Val2420Ile; replaces valine 2420 with isoleucine.
Molecular consequence: missense variant.
Genome position (GRCh38, 1-based): chr17:31,349,188, G>A. VCF-style: chr17-31349188-G-A. GRCh37 (hg19) VCF-style: chr17-29676206-G-A.
Other names: c.7195G>A, p.Val2399Ile (NM_000267.4); short protein forms V2399I, V2420I.
Identifiers: ClinVar variation 642416 (VCV000642416.6), dbSNP rs1597858484, ClinGen allele CA399016787.
Genomic context (GRCh38, chr17:31,349,188, plus strand): 5'-CATCCTTCACCTGCTATTGTTGCAAGAACAGTCAGAATTTTACATACACTACTAACTCTG[G>A]TTAACAAACACAGAAATTGTGACAAATTTGAAGTGAATACACAGAGCGTGGCCTACTTAG-3'
Protein context (NP_001035957.1, residues 2410-2430): VRILHTLLTL[Val2420Ile]NKHRNCDKFE